The following is an entry in ClinVar:

NM_018975.4(TERF2IP):c.846T>G (p.Asp282Glu)

Gene: TERF2IP (TERF2 interacting protein; plus strand). Cytogenetic location: 16q23.1.
Variant type: single nucleotide variant.
Coding change: c.846T>G on transcript NM_018975.4 (MANE Select); coding-DNA position 846, T replaced by G.
Protein change: p.Asp282Glu; replaces aspartic acid 282 with glutamic acid.
Molecular consequence: missense variant. On other transcripts: non-coding transcript variant (1).
Genome position (GRCh38, 1-based): chr16:75,656,257, T>G. VCF-style: chr16-75656257-T-G. GRCh37 (hg19) VCF-style: chr16-75690155-T-G.
Other names: short protein forms D282E.
Identifiers: ClinVar variation 3455104 (VCV003455104.1).

ClinVar aggregate classification (germline): Uncertain significance (1 of 4 stars; one submission).

Submission:

Ambry Genetics
Classification: Uncertain significance. Last evaluated: 2024-07-02. Review status: criteria provided, single submitter. Criteria: Ambry Variant Classification Scheme 2023. Collection method: clinical testing. Allele origin: germline.
Comment: The p.D282E variant (also known as c.846T>G), located in coding exon 3 of the TERF2IP gene, results from a T to G substitution at nucleotide position 846. The aspartic acid at codon 282 is replaced by glutamic acid, an amino acid with highly similar properties. This amino acid position is conserved. In addition, this alteration is predicted to be tolerated by in silico analysis. Based on the available evidence, the clinical significance of this variant remains unclear.